The following is an entry in ClinVar:

NM_005612.5(REST):c.2259G>A (p.Met753Ile)

Gene: REST (RE1 silencing transcription factor; plus strand). Cytogenetic location: 4q12.
Variant type: single nucleotide variant.
Coding change: c.2259G>A on transcript NM_005612.5 (MANE Select); coding-DNA position 2259, G replaced by A.
Protein change: p.Met753Ile; replaces methionine 753 with isoleucine.
Molecular consequence: missense variant.
Genome position (GRCh38, 1-based): chr4:56,931,117, G>A. VCF-style: chr4-56931117-G-A. GRCh37 (hg19) VCF-style: chr4-57797283-G-A.
Other names: c.2259G>A, p.Met753Ile (NM_001193508.2, NM_001363453.3); short protein forms M753I.
Identifiers: ClinVar variation 943131 (VCV000943131.8), dbSNP rs544207693, ClinGen allele CA97636942.
Genomic context (GRCh38, chr4:56,931,117, plus strand): 5'-GTCTCCTCCCATGGAGGTGGTCCAGAAGGAGCCTGTTCAGATAGAGCTGTCTCCTCCCAT[G>A]GAGGTGGTCCAGAAGGAACCTGTTAAGATAGAGCTGTCTCCTCCCATAGAGGTGGTCCAG-3'
Protein context (NP_005603.3, residues 743-763): EPVQIELSPP[Met753Ile]EVVQKEPVKI

ClinVar aggregate classification (germline): Uncertain significance. Review status: criteria provided, multiple submitters, no conflicts (2 of 4 stars). 2 submissions from 2 submitters: Uncertain significance (2). Last evaluated 2023-09-10.

Allele frequency attached by ClinVar (database versions not stated): gnomAD 0.00005; 1000 Genomes Project 0.00739.

Submissions (8):

Labcorp Genetics (formerly Invitae), Labcorp
Classification: Uncertain significance. Last evaluated: 2023-09-10. Review status: criteria provided, single submitter. Criteria: Invitae Variant Classification Sherloc (09022015). Collection method: clinical testing. Allele origin: germline.
Comment: This sequence change replaces methionine, which is neutral and non-polar, with isoleucine, which is neutral and non-polar, at codon 753 of the REST protein (p.Met753Ile). The frequency data for this variant in the population databases is considered unreliable, as metrics indicate poor data quality at this position in the gnomAD database. This variant has not been reported in the literature in individuals affected with REST-related conditions. ClinVar contains an entry for this variant (Variation ID: 943131). An algorithm developed to predict the effect of missense changes on protein structure and function (PolyPhen-2) suggests that this variant is likely to be tolerated. In summary, the available evidence is currently insufficient to determine the role of this variant in disease. Therefore, it has been classified as a Variant of Uncertain Significance.

Breakthrough Genomics
Classification: Uncertain significance. Review status: criteria provided, single submitter. Criteria: ACMG Guidelines, 2015. Collection method: not provided. Allele origin: germline. Inheritance: Autosomal dominant inheritance. Affected: yes.

Dr. Peter K. Rogan Lab, Western University
No classification provided (evidence only). Condition: Colon adenocarcinoma. Review status: no classification provided. Collection method: in vitro. Allele origin: not applicable. Functional consequence: retained intron. Not counted in ClinVar's aggregate classification.

Dr. Peter K. Rogan Lab, Western University
No classification provided (evidence only). Condition: Uterine corpus endometrial carcinoma. Review status: no classification provided. Collection method: in vitro. Allele origin: not applicable. Functional consequence: retained intron. Not counted in ClinVar's aggregate classification.

Dr. Peter K. Rogan Lab, Western University
No classification provided (evidence only). Condition: Hepatocellular carcinoma. Review status: no classification provided. Collection method: in vitro. Allele origin: not applicable. Functional consequence: retained intron. Not counted in ClinVar's aggregate classification.

Dr. Peter K. Rogan Lab, Western University
No classification provided (evidence only). Condition: Gastric cancer. Review status: no classification provided. Collection method: in vitro. Allele origin: not applicable. Functional consequence: retained intron. Not counted in ClinVar's aggregate classification.

Dr. Peter K. Rogan Lab, Western University
No classification provided (evidence only). Condition: Uveal melanoma. Review status: no classification provided. Collection method: in vitro. Allele origin: not applicable. Functional consequence: retained intron. Not counted in ClinVar's aggregate classification.

Dr. Peter K. Rogan Lab, Western University
No classification provided (evidence only). Condition: Malignant tumor of esophagus. Review status: no classification provided. Collection method: in vitro. Allele origin: not applicable. Functional consequence: retained intron. Not counted in ClinVar's aggregate classification.